The following is an entry in ClinVar:

ClinVar aggregate classification (germline): Uncertain significance (1 of 4 stars; one submission).

Conditions:
Hereditary diffuse gastric adenocarcinoma (HDGC). Also called: DIFFUSE GASTRIC AND LOBULAR BREAST CANCER SYNDROME. Identifiers: Orphanet 26106, MedGen C1708349, MONDO:0007648, OMIM 137215.

Submission:

Labcorp Genetics (formerly Invitae), Labcorp
Classification: Uncertain significance for Hereditary diffuse gastric adenocarcinoma. Last evaluated: 2020-06-16. Review status: criteria provided, single submitter. Criteria: Invitae Variant Classification Sherloc (09022015). Collection method: clinical testing. Allele origin: germline.
Comment: This sequence change replaces serine with phenylalanine at codon 624 of the CDH1 protein (p.Ser624Phe). The serine residue is moderately conserved and there is a large physicochemical difference between serine and phenylalanine. This variant is not present in population databases (ExAC no frequency). This variant has not been reported in the literature in individuals with CDH1-related conditions. Algorithms developed to predict the effect of missense changes on protein structure and function (SIFT, PolyPhen-2, Align-GVGD) all suggest that this variant is likely to be tolerated, but these predictions have not been confirmed by published functional studies and their clinical significance is uncertain. In summary, the available evidence is currently insufficient to determine the role of this variant in disease. Therefore, it has been classified as a Variant of Uncertain Significance.

NM_004360.5(CDH1):c.1871C>T (p.Ser624Phe)

Gene: CDH1 (cadherin 1; plus strand). Cytogenetic location: 16q22.1.
Variant type: single nucleotide variant.
Coding change: c.1871C>T on transcript NM_004360.5 (MANE Select); coding-DNA position 1871, C replaced by T.
Protein change: p.Ser624Phe; replaces serine 624 with phenylalanine.
Molecular consequence: missense variant. On other transcripts: 5 prime UTR variant (1).
Genome position (GRCh38, 1-based): chr16:68,822,160, C>T. VCF-style: chr16-68822160-C-T. GRCh37 (hg19) VCF-style: chr16-68856063-C-T.
Other names: c.1688C>T, p.Ser563Phe (NM_001317184.2); c.323C>T, p.Ser108Phe (NM_001317185.2); c.-95C>T (NM_001317186.2); short protein forms S108F, S563F, S624F.
Identifiers: ClinVar variation 1025785 (VCV001025785.9), dbSNP rs1961166045, ClinGen allele CA396467092.